The following is an entry in ClinVar:

NM_000535.7(PMS2):c.2397G>A (p.Arg799=)

Gene: PMS2 (PMS1 homolog 2, mismatch repair system component; minus strand). Cytogenetic location: 7p22.1.
Variant type: single nucleotide variant.
Coding change: c.2397G>A on transcript NM_000535.7 (MANE Select); coding-DNA position 2397, G replaced by A.
Protein change: p.Arg799=; no amino-acid change (arginine 799 retained).
Molecular consequence: synonymous variant. On other transcripts: non-coding transcript variant (1).
Genome position (GRCh38, 1-based): chr7:5,977,636, C>T on the plus strand (G>A on the coding strand, the complement: PMS2 is on the minus strand). VCF-style: chr7-5977636-C-T. GRCh37 (hg19) VCF-style: chr7-6017267-C-T.
Other names: c.1992G>A, p.Arg664= (NM_001322003.2, NM_001322004.2, NM_001322005.2); c.2241G>A, p.Arg747= (NM_001322006.2); c.2079G>A, p.Arg693= (NM_001322007.2, NM_001322008.2); c.2025G>A, p.Arg675= (NM_001322009.2); c.1836G>A, p.Arg612= (NM_001322010.2); c.1464G>A, p.Arg488= (NM_001322011.2, NM_001322012.2); c.1824G>A, p.Arg608= (NM_001322013.2); c.2430G>A, p.Arg810= (NM_001322014.2); and 1 more.
Identifiers: ClinVar variation 480358 (VCV000480358.17), dbSNP rs1554293832, ClinGen allele CA453642351.
Genomic context (GRCh38, chr7:5,977,636, plus strand): 5'-TTCTTTACTTACCGACTTCCGGCAGGCTCTGGAGGCAAACATCTGCTTGACTCGGGAAGG[C>T]CGGCACATGACCCCAGGGCTGTCGCTCAGCATGAAGATCAGTTCATCGACGTCCTGGGGT-3'
Protein context (NP_000526.2, residues 789-809): MLSDSPGVMC[Arg799=]PSRVKQMFAS

ClinVar aggregate classification (germline): Benign/Likely benign. Review status: criteria provided, multiple submitters, no conflicts (2 of 4 stars). 4 submissions from 4 submitters: Benign (1); Likely benign (3). Last evaluated 2025-05-05.

Conditions:
Lynch syndrome 4 (LYNCH4). Also called: Colorectal cancer, hereditary nonpolyposis, type 4; Hereditary non-polyposis colorectal cancer, type 4. Identifiers: Orphanet 144, MedGen C1838333, MONDO:0013699, OMIM 614337. Disease mechanism: loss of function.
Hereditary cancer-predisposing syndrome. Also called: Hereditary Cancer Syndrome; Neoplastic Syndromes, Hereditary; Tumor predisposition; Hereditary neoplastic syndrome. Identifiers: Orphanet 140162, MedGen C0027672, MeSH D009386, MONDO:0015356.
Hereditary nonpolyposis colorectal neoplasms. Identifiers: MedGen C0009405, MeSH D003123.

Submissions (4):

Color Diagnostics, LLC DBA Color Health
Classification: Likely benign for Hereditary cancer-predisposing syndrome. Last evaluated: 2025-05-05. Review status: criteria provided, single submitter. Criteria: ACMG Guidelines, 2015. Collection method: clinical testing. Allele origin: germline.

Myriad Genetics, Inc.
Classification: Benign for Lynch syndrome 4. Last evaluated: 2025-02-04. Review status: criteria provided, single submitter. Criteria: Myriad Autosomal Dominant, Autosomal Recessive and X-Linked Classification Criteria (2023). Collection method: clinical testing. Allele origin: unknown.
Comment: This variant is considered benign. This variant is a silent/synonymous amino acid change and it is not expected to impact splicing.

Labcorp Genetics (formerly Invitae), Labcorp
Classification: Likely benign for Hereditary nonpolyposis colorectal neoplasms. Last evaluated: 2018-12-19. Review status: criteria provided, single submitter. Criteria: Invitae Variant Classification Sherloc (09022015). Collection method: clinical testing. Allele origin: germline.

Ambry Genetics
Classification: Likely benign for Hereditary cancer-predisposing syndrome. Last evaluated: 2016-10-27. Review status: criteria provided, single submitter. Criteria: Ambry Variant Classification Scheme 2023. Collection method: clinical testing. Allele origin: germline.